The following is an entry in ClinVar:

NM_000485.3(APRT):c.388_397del (p.Leu130fs)

Gene: APRT (adenine phosphoribosyltransferase; minus strand). Cytogenetic location: 16q24.3.
Variant type: Deletion.
Coding change: c.388_397del on transcript NM_000485.3 (MANE Select); coding-DNA positions 388 to 397, 10 bases deleted (CTGGCCACTG; older notation c.388_397delCTGGCCACTG).
Protein change: p.Leu130fs; shifts the reading frame from leucine 130.
Molecular consequence: frameshift variant.
Genome position (GRCh38, 1-based): chr16:88,810,073-88,810,082, CAGTGGCCAG deleted on the plus strand (CTGGCCACTG on the coding strand, the reverse complement: APRT is on the minus strand); deleting any 10 consecutive bases within chr16:88,810,073-88,810,085 gives the same sequence; the c. name uses the placement nearest the transcript's 3' end. VCF-style (leftmost placement, unchanged base first): chr16-88810072-CCAGTGGCCAG-C. GRCh37 (hg19) VCF-style: chr16-88876480-CCAGTGGCCAG-C.
Other names: c.388_397del, p.Leu130fs (NM_001030018.2); short protein forms L130fs.
Identifiers: ClinVar variation 2796942 (VCV002796942.3), dbSNP rs775204282, ClinGen allele CA8234425.

ClinVar aggregate classification (germline): Pathogenic (1 of 4 stars; one submission).

Submission:

Labcorp Genetics (formerly Invitae), Labcorp
Classification: Pathogenic. Last evaluated: 2022-12-05. Review status: criteria provided, single submitter. Criteria: Invitae Variant Classification Sherloc (09022015). Collection method: clinical testing. Allele origin: germline.
Comment: This variant is present in population databases (rs775204282, gnomAD 0.003%). For these reasons, this variant has been classified as Pathogenic. This variant disrupts a region of the APRT protein in which other variant(s) (p.Leu162del) have been determined to be pathogenic (Invitae). This suggests that this is a clinically significant region of the protein, and that variants that disrupt it are likely to be disease-causing. This variant has not been reported in the literature in individuals affected with APRT-related conditions. This sequence change creates a premature translational stop signal (p.Leu130Valfs*4) in the APRT gene. While this is not anticipated to result in nonsense mediated decay, it is expected to disrupt the last 51 amino acid(s) of the APRT protein.